The following is an entry in ClinVar:

NM_004237.4(TRIP13):c.1203G>C (p.Gln401His)

Gene: TRIP13 (thyroid hormone receptor interactor 13; plus strand). Cytogenetic location: 5p15.33.
Variant type: single nucleotide variant.
Coding change: c.1203G>C on transcript NM_004237.4 (MANE Select); coding-DNA position 1203, G replaced by C.
Protein change: p.Gln401His; replaces glutamine 401 with histidine.
Molecular consequence: missense variant.
Genome position (GRCh38, 1-based): chr5:915,973, G>C. VCF-style: chr5-915973-G-C. GRCh37 (hg19) VCF-style: chr5-916088-G-C.
Other names: p.Gln401His; short protein forms Q401H.
Identifiers: ClinVar variation 4541030 (VCV004541030.1).

ClinVar aggregate classification (germline): Uncertain significance (1 of 4 stars; one submission).

gnomAD v4.1: 99 of 1,613,946 alleles (0.0061%); no homozygotes.

Submission:

Mayo Clinic Laboratories, Mayo Clinic
Classification: Uncertain significance. Last evaluated: 2025-12-03. Review status: criteria provided, single submitter. Criteria: ACMG Guidelines, 2015. Collection method: clinical testing. Allele origin: germline. Observed: 1 variant allele.
Comment: PP3